The following is an entry in ClinVar:

NC_000011.9:g.(?_2181023)_(2182533_?)del

Genes: INS (insulin; minus strand), INS-IGF2 (INS-IGF2 readthrough; minus strand). Cytogenetic location: 11p15.5.
Variant type: Deletion.
Identifiers: ClinVar variation 1459937 (VCV001459937.4).

ClinVar aggregate classification (germline): Pathogenic (1 of 4 stars; one submission).

Submission:

Labcorp Genetics (formerly Invitae), Labcorp
Classification: Pathogenic. Last evaluated: 2021-06-13. Review status: criteria provided, single submitter. Criteria: Invitae Variant Classification Sherloc (09022015). Collection method: clinical testing. Allele origin: germline.
Comment: A similar copy number deletion has been observed in individual(s) with clinical features of permanent neonatal diabetes mellitus (PMID: 21823539). A gross deletion of the genomic region encompassing the full coding sequence of the INS gene has been identified. Loss-of-function variants in INS are known to be pathogenic (PMID: 20133622, 23245869). The boundaries of this event are unknown as they extend beyond the assayed region for this gene and therefore may encompass additional genes. For these reasons, this variant has been classified as Pathogenic.

Literature cited by the submitters: PubMed 21823539; PubMed 20133622; PubMed 23245869.